The following is an entry in ClinVar:

ClinVar aggregate classification (germline): Uncertain significance (1 of 4 stars; one submission).

Conditions:
Glycogen storage disease type III (GSD3). Also called: FORBES DISEASE; Cori disease. Identifiers: Orphanet 366, MedGen C0017922, MONDO:0009291, OMIM 232400.

Allele frequency attached by ClinVar (database versions not stated): gnomAD exomes below 0.00001.
gnomAD v4.1: 2 of 1,613,960 alleles (0.00012%); highest among the groups gnomAD compares: Non-Finnish European, 0.00017%; no homozygotes.

Submission:

Labcorp Genetics (formerly Invitae), Labcorp
Classification: Uncertain significance for Glycogen storage disease type III. Last evaluated: 2024-10-14. Review status: criteria provided, single submitter. Criteria: Invitae Variant Classification Sherloc (09022015). Collection method: clinical testing. Allele origin: germline.
Comment: This sequence change replaces lysine, which is basic and polar, with arginine, which is basic and polar, at codon 226 of the AGL protein (p.Lys226Arg). This variant is not present in population databases (gnomAD no frequency). This variant has not been reported in the literature in individuals affected with AGL-related conditions. ClinVar contains an entry for this variant (Variation ID: 1423359). Invitae Evidence Modeling of protein sequence and biophysical properties (such as structural, functional, and spatial information, amino acid conservation, physicochemical variation, residue mobility, and thermodynamic stability) indicates that this missense variant is not expected to disrupt AGL protein function with a negative predictive value of 80%. In summary, the available evidence is currently insufficient to determine the role of this variant in disease. Therefore, it has been classified as a Variant of Uncertain Significance.

NM_000642.3(AGL):c.677A>G (p.Lys226Arg)

Gene: AGL (amylo-alpha-1,6-glucosidase and 4-alpha-glucanotransferase; plus strand). Cytogenetic location: 1p21.2.
Variant type: single nucleotide variant.
Coding change: c.677A>G on transcript NM_000642.3 (MANE Select); coding-DNA position 677, A replaced by G.
Protein change: p.Lys226Arg; replaces lysine 226 with arginine.
Molecular consequence: missense variant.
Genome position (GRCh38, 1-based): chr1:99,870,412, A>G. VCF-style: chr1-99870412-A-G. GRCh37 (hg19) VCF-style: chr1-100335968-A-G.
Other names: c.677A>G, p.Lys226Arg (NM_000028.3, NM_000643.3, NM_000644.3 and 3 more transcripts); c.629A>G, p.Lys210Arg (NM_000646.3); c.473A>G, p.Lys158Arg (NM_001425328.1, NM_001425329.1); c.299A>G, p.Lys100Arg (NM_001425332.1); short protein forms K210R, K226R, K100R, K158R.
Identifiers: ClinVar variation 1423359 (VCV001423359.7), dbSNP rs2101112006, ClinGen allele CA341339177.
Genomic context (GRCh38, chr1:99,870,412, plus strand): 5'-TTTCAATTTAATTATGAGATACTCCTTTGTGTCTCCTTTTTCCTTCAGCTGCTAATAGTA[A>G]ATGGATCCAGGAACATCCAGAATGTGCCTATAATCTTGTGAATTCTCCACACTTAAAACC-3'
Protein context (NP_000633.2, residues 216-236): VVYNHTAANS[Lys226Arg]WIQEHPECAY